The following is an entry in ClinVar:

NM_002878.4(RAD51D):c.904-17C>T

Genes: RAD51L3-RFFL (RAD51L3-RFFL readthrough; minus strand), RAD51D (RAD51 paralog D; minus strand). Cytogenetic location: 17q12.
Variant type: single nucleotide variant.
Coding change: c.904-17C>T on transcript NM_002878.4 (MANE Select); 17 bases into the intron before coding-DNA position 904, C replaced by T.
Molecular consequence: intron variant.
Genome position (GRCh38, 1-based): chr17:35,101,053, G>A on the plus strand (C>T on the coding strand, the complement: RAD51D is on the minus strand). VCF-style: chr17-35101053-G-A. GRCh37 (hg19) VCF-style: chr17-33428072-G-A.
Other names: c.568-17C>T (NM_133629.3); c.964-17C>T (NM_001142571.2).
Identifiers: ClinVar variation 507042 (VCV000507042.7), dbSNP rs181816960, ClinGen allele CA289992570.

ClinVar aggregate classification (germline): Likely benign. Review status: criteria provided, multiple submitters, no conflicts (2 of 4 stars). 3 submissions from 3 submitters: Likely benign (3). Last evaluated 2025-02-25.

Conditions:
Breast-ovarian cancer, familial, susceptibility to, 4. Identifiers: Orphanet 145, MedGen C3280345, MONDO:0013669, OMIM 614291.

Allele frequency attached by ClinVar (database versions not stated): gnomAD exomes below 0.00001; gnomAD 0.00001; 1000 Genomes Project 30x 0.00016; 1000 Genomes Project 0.00020.
gnomAD v4.1: 2 of 1,609,222 alleles (0.00012%); highest among the groups gnomAD compares: East Asian, 0.0022%; no homozygotes.

Submissions (3):

Myriad Genetics, Inc.
Classification: Likely benign for Breast-ovarian cancer, familial, susceptibility to, 4. Last evaluated: 2025-02-25. Review status: criteria provided, single submitter. Criteria: Myriad Autosomal Dominant, Autosomal Recessive and X-Linked Classification Criteria (2023). Collection method: clinical testing. Allele origin: unknown.
Comment: This variant is considered likely benign. This variant is intronic and is not expected to impact mRNA splicing.

Labcorp Genetics (formerly Invitae), Labcorp
Classification: Likely benign for Breast-ovarian cancer, familial, susceptibility to, 4. Last evaluated: 2024-10-09. Review status: criteria provided, single submitter. Criteria: Invitae Variant Classification Sherloc (09022015). Collection method: clinical testing. Allele origin: germline.

GeneDx
Classification: Likely benign. Last evaluated: 2017-01-24. Review status: criteria provided, single submitter. Criteria: GeneDx Variant Classification (06012015). Collection method: clinical testing. Allele origin: germline. Affected: yes.
Comment: This variant is considered likely benign or benign based on one or more of the following criteria: it is a conservative change, it occurs at a poorly conserved position in the protein, it is predicted to be benign by multiple in silico algorithms, and/or has population frequency not consistent with disease.